The following is an entry in ClinVar:

NM_004656.4(BAP1):c.1586del (p.Lys529fs)

Gene: BAP1 (BRCA1 associated deubiquitinase 1; minus strand). Cytogenetic location: 3p21.1.
Variant type: Deletion.
Coding change: c.1586del on transcript NM_004656.4 (MANE Select); coding-DNA position 1586, one base deleted (A; older notation c.1586delA).
Protein change: p.Lys529fs; shifts the reading frame from lysine 529.
Molecular consequence: frameshift variant.
Genome position (GRCh38, 1-based): chr3:52,403,559, T deleted on the plus strand (A on the coding strand, the reverse complement: BAP1 is on the minus strand); the first of 2 consecutive T bases (chr3:52,403,559-52,403,560); deleting either gives the same sequence. VCF-style (leftmost placement, unchanged base first): chr3-52403558-CT-C. GRCh37 (hg19) VCF-style: chr3-52437574-CT-C.
Other names: c.1532del, p.Lys511fs (NM_001410772.1); short protein forms K511fs, K529fs.
Identifiers: ClinVar variation 2993740 (VCV002993740.3), dbSNP rs2471327966, ClinGen allele CA2740094457.

ClinVar aggregate classification (germline): Pathogenic (1 of 4 stars; one submission).

Conditions:
BAP1-related tumor predisposition syndrome (TPDS1). Also called: BAP1 tumor predisposition syndrome; COMMON Syndrome; TUMOR PREDISPOSITION SYNDROME 1; Tumor susceptibility linked to germline BAP1 mutations. Identifiers: Orphanet 289539, MedGen C3280492, MONDO:0013692, OMIM 614327.

Submission:

Labcorp Genetics (formerly Invitae), Labcorp
Classification: Pathogenic for BAP1-related tumor predisposition syndrome. Last evaluated: 2022-11-29. Review status: criteria provided, single submitter. Criteria: Invitae Variant Classification Sherloc (09022015). Collection method: clinical testing. Allele origin: germline.
Comment: For these reasons, this variant has been classified as Pathogenic. Algorithms developed to predict the effect of sequence changes on RNA splicing suggest that this variant may create or strengthen a splice site. This variant has not been reported in the literature in individuals affected with BAP1-related conditions. This variant is not present in population databases (gnomAD no frequency). This sequence change creates a premature translational stop signal (p.Lys529Argfs*42) in the BAP1 gene. It is expected to result in an absent or disrupted protein product. Loss-of-function variants in BAP1 are known to be pathogenic (PMID: 21874000, 23684012).

Literature cited by the submitters: PubMed 21874000; PubMed 23684012.